The following is an entry in ClinVar:

NM_006361.6(HOXB13):c.802C>T (p.Arg268Trp)

Gene: HOXB13 (homeobox B13; minus strand). Cytogenetic location: 17q21.32.
Variant type: single nucleotide variant.
Coding change: c.802C>T on transcript NM_006361.6 (MANE Select); coding-DNA position 802, C replaced by T.
Protein change: p.Arg268Trp; replaces arginine 268 with tryptophan.
Molecular consequence: missense variant.
Genome position (GRCh38, 1-based): chr17:48,726,843, G>A on the plus strand (C>T on the coding strand, the complement: HOXB13 is on the minus strand). VCF-style: chr17-48726843-G-A. GRCh37 (hg19) VCF-style: chr17-46804205-G-A.
Other names: short protein forms R268W.
Identifiers: ClinVar variation 1380509 (VCV001380509.12), dbSNP rs768168209, ClinGen allele CA400105567.

ClinVar aggregate classification (germline): Uncertain significance. Review status: criteria provided, multiple submitters, no conflicts (2 of 4 stars). 3 submissions from 3 submitters: Uncertain significance (3). Last evaluated 2024-10-15.

Conditions:
Hereditary cancer-predisposing syndrome. Also called: Tumor predisposition; Neoplastic Syndromes, Hereditary; Hereditary Cancer Syndrome; Hereditary neoplastic syndrome. Identifiers: Orphanet 140162, MedGen C0027672, MeSH D009386, MONDO:0015356.

gnomAD v4.1: 7 of 1,614,120 alleles (0.00043%); highest among the groups gnomAD compares: Non-Finnish European, 0.00051%; no homozygotes.

Submissions (3):

Labcorp Genetics (formerly Invitae), Labcorp
Classification: Uncertain significance. Last evaluated: 2024-10-15. Review status: criteria provided, single submitter. Criteria: Invitae Variant Classification Sherloc (09022015). Collection method: clinical testing. Allele origin: germline.
Comment: This sequence change replaces arginine, which is basic and polar, with tryptophan, which is neutral and slightly polar, at codon 268 of the HOXB13 protein (p.Arg268Trp). This variant is not present in population databases (gnomAD no frequency). This missense change has been observed in individual(s) with prostate cancer (PMID: 31214711). ClinVar contains an entry for this variant (Variation ID: 1380509). Invitae Evidence Modeling of protein sequence and biophysical properties (such as structural, functional, and spatial information, amino acid conservation, physicochemical variation, residue mobility, and thermodynamic stability) indicates that this missense variant is expected to disrupt HOXB13 protein function with a positive predictive value of 80%. In summary, the available evidence is currently insufficient to determine the role of this variant in disease. Therefore, it has been classified as a Variant of Uncertain Significance.

Ambry Genetics
Classification: Uncertain significance for Hereditary cancer-predisposing syndrome. Last evaluated: 2024-09-06. Review status: criteria provided, single submitter. Criteria: Ambry Variant Classification Scheme 2023. Collection method: clinical testing. Allele origin: germline.
Comment: The p.R268W variant (also known as c.802C>T), located in coding exon 2 of the HOXB13 gene, results from a C to T substitution at nucleotide position 802. The arginine at codon 268 is replaced by tryptophan, an amino acid with dissimilar properties. This amino acid position is highly conserved in available vertebrate species. In addition, this alteration is predicted to be deleterious by in silico analysis. Based on the available evidence, the clinical significance of this variant remains unclear.

Quest Diagnostics Nichols Institute San Juan Capistrano
Classification: Uncertain significance. Last evaluated: 2023-02-09. Review status: criteria provided, single submitter. Criteria: Quest Diagnostics criteria. Collection method: clinical testing. Allele origin: unknown.
Comment: It has not been reported in large, multi-ethnic general populations. In the published literature, the variant has been reported in an individual with prostate cancer (PMID: 31214711 (2020)). Analysis of this variant using bioinformatics tools for the prediction of the effect of amino acid changes on protein structure and function yielded predictions that this variant is damaging. Based on the available information, we are unable to determine the clinical significance of this variant.

Literature cited by the submitters: PubMed 31214711 (cited by Labcorp Genetics (formerly Invitae), Labcorp and Quest Diagnostics Nichols Institute San Juan Capistrano).